The following is an entry in ClinVar:

NM_153676.4(USH1C):c.2309G>A (p.Gly770Asp)

Gene: USH1C (USH1 protein network component harmonin; minus strand). Cytogenetic location: 11p15.1.
Variant type: single nucleotide variant.
Coding change: c.2309G>A on transcript NM_153676.4 (MANE Select); coding-DNA position 2309, G replaced by A.
Protein change: p.Gly770Asp; replaces glycine 770 with aspartic acid.
Molecular consequence: missense variant. On other transcripts: non-coding transcript variant (1).
Genome position (GRCh38, 1-based): chr11:17,501,122, C>T on the plus strand (G>A on the coding strand, the complement: USH1C is on the minus strand). VCF-style: chr11-17501122-C-T. GRCh37 (hg19) VCF-style: chr11-17522669-C-T.
Other names: c.1352G>A, p.Gly451Asp (NM_001297764.2); c.1409G>A, p.Gly470Asp (NM_005709.4); short protein forms G451D, G470D, G770D.
Identifiers: ClinVar variation 3767491 (VCV003767491.2).
Genomic context (GRCh38, chr11:17,501,122, plus strand): 5'-GCAGCTCCCCGCTCATACACAGCAGAAACGACCACCTTCCCAATGGGGGAGTCCACACCG[C>T]CTTCCAGGGCCAGGTCTAAGGATCCCTCCTGGTTAGAGGAAAACAGGCCTTAGGGAGCCA-3'
Protein context (NP_710142.1, residues 760-780): KEGSLDLALE[Gly770Asp]GVDSPIGKVV

ClinVar aggregate classification (germline): Uncertain significance (1 of 4 stars; one submission).

Submission:

GeneDx
Classification: Uncertain significance. Last evaluated: 2026-06-23. Review status: criteria provided, single submitter. Criteria: GeneDx Variant Classification Process June 2021. Collection method: clinical testing. Allele origin: germline.
Comment: Not observed at significant frequency in large population cohorts (gnomAD); In silico analysis supports that this missense variant has a deleterious effect on protein structure/function; Has not been previously published as pathogenic or benign to our knowledge